The following is an entry in ClinVar:

NM_000278.5(PAX2):c.717A>C (p.Glu239Asp)

Gene: PAX2 (paired box 2; plus strand). Cytogenetic location: 10q24.31.
Variant type: single nucleotide variant.
Coding change: c.717A>C on transcript NM_000278.5 (MANE Select); coding-DNA position 717, A replaced by C.
Protein change: p.Glu239Asp; replaces glutamic acid 239 with aspartic acid.
Molecular consequence: missense variant.
Genome position (GRCh38, 1-based): chr10:100,806,530, A>C. VCF-style: chr10-100806530-A-C. GRCh37 (hg19) VCF-style: chr10-102566287-A-C.
Other names: c.810A>C, p.Glu270Asp (NM_001304569.2); c.786A>C, p.Glu262Asp (NM_003987.5, NM_003990.5); c.717A>C, p.Glu239Asp (NM_003988.5, NM_003989.5); short protein forms E239D, E262D, E270D.
Identifiers: ClinVar variation 3759392 (VCV003759392.2).

ClinVar aggregate classification (germline): Uncertain significance (1 of 4 stars; one submission).

Conditions:
Renal coloboma syndrome (PAPRS). Also called: COLOBOMA OF OPTIC NERVE WITH RENAL DISEASE; OPTIC COLOBOMA, VESICOURETERAL REFLUX, AND RENAL ANOMALIES; OPTIC NERVE COLOBOMA WITH RENAL DISEASE; PAPILLORENAL SYNDROME; RENAL-COLOBOMA SYNDROME WITH MACULAR ABNORMALITIES; PAPILLORENAL SYNDROME WITH MILD OCULAR ABNORMALITIES. Identifiers: Orphanet 1475, MedGen C1852759, MONDO:0007352, OMIM 120330.
Focal segmental glomerulosclerosis 7 (FSGS7). Identifiers: Orphanet 656, MedGen C4014925, MONDO:0014451, OMIM 616002.

gnomAD v4.1: 2 of 1,614,216 alleles (0.00012%); highest among the groups gnomAD compares: African/African-American, 0.0013%; no homozygotes.

Submission:

Labcorp Genetics (formerly Invitae), Labcorp
Classification: Uncertain significance for Renal coloboma syndrome; Focal segmental glomerulosclerosis 7. Last evaluated: 2024-10-07. Review status: criteria provided, single submitter. Criteria: Invitae Variant Classification Sherloc (09022015). Collection method: clinical testing. Allele origin: germline.
Comment: This sequence change replaces glutamic acid, which is acidic and polar, with aspartic acid, which is acidic and polar, at codon 239 of the PAX2 protein (p.Glu239Asp). This variant is not present in population databases (gnomAD no frequency). This variant has not been reported in the literature in individuals affected with PAX2-related conditions. Experimental studies and prediction algorithms are not available or were not evaluated, and the functional significance of this variant is currently unknown. In summary, the available evidence is currently insufficient to determine the role of this variant in disease. Therefore, it has been classified as a Variant of Uncertain Significance.